The following is an entry in ClinVar:

ClinVar aggregate classification (germline): Uncertain significance (1 of 4 stars; one submission).

Conditions:
Combined oxidative phosphorylation defect type 27. Also called: Combined oxidative phosphorylation deficiency 27. Identifiers: Orphanet 477774, MedGen C5567608, MONDO:0014728, OMIM 616672.

Submission:

Labcorp Genetics (formerly Invitae), Labcorp
Classification: Uncertain significance for Combined oxidative phosphorylation defect type 27. Last evaluated: 2021-12-25. Review status: criteria provided, single submitter. Criteria: Invitae Variant Classification Sherloc (09022015). Collection method: clinical testing. Allele origin: germline.
Comment: This sequence change replaces alanine, which is neutral and non-polar, with serine, which is neutral and polar, at codon 226 of the CARS2 protein (p.Ala226Ser). This variant is not present in population databases (gnomAD no frequency). This variant has not been reported in the literature in individuals affected with CARS2-related conditions. Algorithms developed to predict the effect of missense changes on protein structure and function output the following: SIFT: "Tolerated"; PolyPhen-2: "Benign"; Align-GVGD: "Class C0". The serine amino acid residue is found in multiple mammalian species, which suggests that this missense change does not adversely affect protein function. In summary, the available evidence is currently insufficient to determine the role of this variant in disease. Therefore, it has been classified as a Variant of Uncertain Significance.

NM_024537.4(CARS2):c.676G>T (p.Ala226Ser)

Gene: CARS2 (cysteinyl-tRNA synthetase 2, mitochondrial; minus strand). Cytogenetic location: 13q34.
Variant type: single nucleotide variant.
Coding change: c.676G>T on transcript NM_024537.4 (MANE Select); coding-DNA position 676, G replaced by T.
Protein change: p.Ala226Ser; replaces alanine 226 with serine.
Molecular consequence: missense variant. On other transcripts: 5 prime UTR variant (1), non-coding transcript variant (2).
Genome position (GRCh38, 1-based): chr13:110,677,083, C>A on the plus strand (G>T on the coding strand, the complement: CARS2 is on the minus strand). VCF-style: chr13-110677083-C-A. GRCh37 (hg19) VCF-style: chr13-111329430-C-A.
Other names: c.-111G>T (NM_001352252.2); c.676G>T, p.Ala226Ser (NM_001352253.3); short protein forms A226S.
Identifiers: ClinVar variation 2060538 (VCV002060538.1), dbSNP rs2502036321, ClinGen allele CA388735409.
Genomic context (GRCh38, chr13:110,677,083, plus strand): 5'-AGGGAGAGGCCCAGAACACCTCCTGGGGTTTGGCCGCCTTCCACAGGGCGAAGTCACTGG[C>A]ATGACGCTTGTCAGAGTCCGCTGCAGATGACAAACGGTACATCAGTGGGAAGAAGCTCAG-3'
Protein context (NP_078813.1, residues 216-236): GEPADSDKRH[Ala226Ser]SDFALWKAAK